The following is an entry in ClinVar:

NM_152564.5(VPS13B):c.9331-12_9331-3del

Gene: VPS13B (vacuolar protein sorting 13 homolog B; plus strand). Cytogenetic location: 8q22.2.
Variant type: Deletion.
Coding change: c.9331-12_9331-3del on transcript NM_152564.5 (MANE Select); 12 bases into the intron before coding-DNA position 9331 through 3 bases into the intron before coding-DNA position 9331, 10 bases deleted (TTTTTTTTTT; older notation c.9331-12_9331-3delTTTTTTTTTT).
Molecular consequence: intron variant.
Genome position (GRCh38, 1-based): chr8:99,832,357-99,832,366, TTTTTTTTTT deleted; deleting any 10 consecutive bases within chr8:99,832,342-99,832,366 gives the same sequence; the c. name uses the placement nearest the transcript's 3' end. VCF-style (leftmost placement, unchanged base first): chr8-99832341-ATTTTTTTTTT-A. GRCh37 (hg19) VCF-style: chr8-100844569-ATTTTTTTTTT-A.
Other names: NC_000008.10:g.100844585_100844594del; c.9406-12_9406-3del (NM_017890.5); c.9331-12_9331-3del10 (NM_152564.4).
Identifiers: ClinVar variation 1627809 (VCV001627809.10), dbSNP rs370235149, ClinGen allele CA1117120969.

ClinVar aggregate classification (germline): Likely benign. Review status: criteria provided, single submitter (1 of 4 stars). 2 submissions from 2 submitters: Likely benign (1). 1 of the submissions does not count toward it. Last evaluated 2022-10-13.

Conditions:
Cohen syndrome (COH1). Also called: Cutis verticis gyrata, retinitis pigmentosa, and sensorineural deafness; PEPPER SYNDROME. Identifiers: Orphanet 193, MedGen C0265223, MONDO:0008999, OMIM 216550.
VPS13B-related disorder. Also called: VPS13B-related condition.

Submissions (3):

Labcorp Genetics (formerly Invitae), Labcorp
Classification: Likely benign for Cohen syndrome. Last evaluated: 2022-10-13. Review status: criteria provided, single submitter. Criteria: Invitae Variant Classification Sherloc (09022015). Collection method: clinical testing. Allele origin: germline.

PreventionGenetics, part of Exact Sciences
Classification: Likely benign for VPS13B-related condition. Last evaluated: 2022-03-15. Review status: no assertion criteria provided. Collection method: clinical testing. Allele origin: germline. Not counted in ClinVar's aggregate classification.
Comment: This variant is classified as likely benign based on ACMG/AMP sequence variant interpretation guidelines (Richards et al. 2015 PMID: 25741868, with internal and published modifications).

Dr. Peter K. Rogan Lab, Western University
No classification provided (evidence only). Condition: Colon adenocarcinoma. Review status: no classification provided. Collection method: in vitro. Allele origin: not applicable. Functional consequence: retained intron. Not counted in ClinVar's aggregate classification.